The following is an entry in ClinVar:

NM_033109.5(PNPT1):c.2043A>G (p.Val681=)

Gene: PNPT1 (polyribonucleotide nucleotidyltransferase 1; minus strand). Cytogenetic location: 2p16.1.
Variant type: single nucleotide variant.
Coding change: c.2043A>G on transcript NM_033109.5 (MANE Select); coding-DNA position 2043, A replaced by G.
Protein change: p.Val681=; no amino-acid change (valine 681 retained).
Molecular consequence: synonymous variant.
Genome position (GRCh38, 1-based): chr2:55,643,184, T>C on the plus strand (A>G on the coding strand, the complement: PNPT1 is on the minus strand). VCF-style: chr2-55643184-T-C. GRCh37 (hg19) VCF-style: chr2-55870319-T-C.
Identifiers: ClinVar variation 797844 (VCV000797844.12), dbSNP rs544405485, ClinGen allele CA1667829.

ClinVar aggregate classification (germline): Benign/Likely benign. Review status: criteria provided, multiple submitters, no conflicts (2 of 4 stars). 3 submissions from 3 submitters: Benign (1); Likely benign (2). Last evaluated 2026-03-05.

Conditions:
PNPT1-related disorder. Also called: PNPT1-related condition; PNPT1-related disorders.

Allele frequency attached by ClinVar (database versions not stated): gnomAD below 0.00001 and 0.00010; TOPMed 0.00001; gnomAD exomes 0.00031; ExAC 0.00040; 1000 Genomes Project 0.00120; 1000 Genomes Project 30x 0.00125.
gnomAD v4.1: 198 of 1,614,154 alleles (0.012%); highest among the groups gnomAD compares: South Asian, 0.2%; no homozygotes.

Submissions (3):

PreventionGenetics, part of Exact Sciences
Classification: Likely benign for PNPT1-related condition. Last evaluated: 2026-03-05. Review status: criteria provided, single submitter. Criteria: ACMG Guidelines, 2015. Collection method: clinical testing. Allele origin: germline.
Comment: This variant is classified as likely benign based on ACMG/AMP sequence variant interpretation guidelines (Richards et al. 2015 PMID: 25741868, with internal and published modifications).

Labcorp Genetics (formerly Invitae), Labcorp
Classification: Benign. Last evaluated: 2025-09-27. Review status: criteria provided, single submitter. Criteria: Invitae Variant Classification Sherloc (09022015). Collection method: clinical testing. Allele origin: germline.

GeneDx
Classification: Likely benign. Last evaluated: 2020-05-20. Review status: criteria provided, single submitter. Criteria: GeneDx Variant Classification Process June 2021. Collection method: clinical testing. Allele origin: germline. Affected: yes.